The following is an entry in ClinVar:

ClinVar aggregate classification (germline): Conflicting classifications of pathogenicity. Review status: criteria provided, conflicting classifications (1 of 4 stars). 3 submissions from 3 submitters: Uncertain significance (2); Likely benign (1). Last evaluated 2023-01-25.

Conditions:
Cardiac arrhythmia, ankyrin-B-related. Also called: ANKYRIN-B SYNDROME. Identifiers: Orphanet 101016, Orphanet 768, MedGen C1970119, MONDO:0010958, OMIM 600919.

Allele frequency attached by ClinVar (database versions not stated): ExAC 0.00003; gnomAD exomes 0.00003; gnomAD 0.00005 and 0.00006; TOPMed 0.00007; ESP Exome Variant Server 0.00010.
gnomAD v4.1: 33 of 1,610,940 alleles (0.002%); highest among the groups gnomAD compares: East Asian, 0.018%; no homozygotes.

Submissions (3):

Blueprint Genetics
Classification: Likely benign. Last evaluated: 2023-01-25. Review status: criteria provided, single submitter. Criteria: ACMG Guidelines, 2015. Collection method: clinical testing. Allele origin: germline.

Fulgent Genetics
Classification: Uncertain significance for Cardiac arrhythmia, ankyrin-B-related. Last evaluated: 2021-10-13. Review status: criteria provided, single submitter. Criteria: ACMG Guidelines, 2015. Collection method: clinical testing. Allele origin: unknown.

ARUP Laboratories, Molecular Genetics and Genomics, ARUP Laboratories
Classification: Uncertain significance. Last evaluated: 2020-01-05. Review status: criteria provided, single submitter. Criteria: ARUP Molecular Germline Variant Investigation Process. Collection method: clinical testing. Allele origin: germline.
Comment: The ANK2 c.532G>A, p.Ala178Thr variant (rs368551890), to our knowledge, is not reported in the medical literature or gene specific databases. This variant is found in the East Asian population with an allele frequency of 0.03% (6/17,910 alleles) in the Genome Aggregation Database. The alanine at codon 178 is weakly conserved, and computational analyses (SIFT, PolyPhen-2) predict that this variant is tolerated. Due to limited information, the clinical significance of the p.Ala178Thr variant is uncertain at this time.

NM_001148.6(ANK2):c.2900+5143G>A

Gene: ANK2 (ankyrin 2; plus strand). Cytogenetic location: 4q26.
Variant type: single nucleotide variant.
Coding change: c.2900+5143G>A on transcript NM_001148.6 (MANE Select); 5143 bases into the intron after coding-DNA position 2900, G replaced by A.
Molecular consequence: intron variant. On other transcripts: missense variant (14).
Genome position (GRCh38, 1-based): chr4:113,323,763, G>A. VCF-style: chr4-113323763-G-A. GRCh37 (hg19) VCF-style: chr4-114244919-G-A.
Other names: c.2801+5143G>A (NM_001354268.2); c.2699+5143G>A (NM_001354273.2); c.2900+5143G>A (NM_020977.5, NM_001354228.2, NM_001354258.2); c.2957+5143G>A (NM_001386152.1); c.2942+5143G>A (NM_001354231.2, NM_001354242.2); c.2945+5143G>A (NM_001386144.1, NM_001354240.2, NM_001354241.2); c.527+5143G>A (NM_001354280.2, NM_001354278.2, NM_001354281.2); c.2842G>A, p.Ala948Thr (NM_001127493.3); and 24 more; short protein forms A1004T, A178T, A915T, A936T, A947T, A948T, A969T, A983T.
Identifiers: ClinVar variation 994218 (VCV000994218.10), dbSNP rs368551890, ClinGen allele CA3050716.